The following is an entry in ClinVar:

NM_001379500.1(COL18A1):c.221C>G (p.Ala74Gly)

Gene: COL18A1 (collagen type XVIII alpha 1 chain; plus strand). Cytogenetic location: 21q22.3.
Variant type: single nucleotide variant.
Coding change: c.221C>G on transcript NM_001379500.1 (MANE Select); coding-DNA position 221, C replaced by G.
Protein change: p.Ala74Gly; replaces alanine 74 with glycine.
Molecular consequence: missense variant.
Genome position (GRCh38, 1-based): chr21:45,468,356, C>G. VCF-style: chr21-45468356-C-G. GRCh37 (hg19) VCF-style: chr21-46888270-C-G.
Other names: NM_130445.2:c.221C>G; c.761C>G, p.Ala254Gly (NM_030582.4); c.1466C>G, p.Ala489Gly (NM_130444.3); c.761C>G (NM_030582.3); short protein forms A489G, A254G, A74G.
Identifiers: ClinVar variation 1487572 (VCV001487572.6), dbSNP rs761177952, ClinGen allele CA10065701.

ClinVar aggregate classification (germline): Conflicting classifications of pathogenicity. Review status: criteria provided, conflicting classifications (1 of 4 stars). 4 submissions from 4 submitters: Uncertain significance (3); Benign (1). Last evaluated 2025-08-08.

Conditions:
COL18A1-related disorder. Also called: COL18A1-related condition; COL18A1-related disorders.

Allele frequency attached by ClinVar (database versions not stated): gnomAD 0.00004; gnomAD exomes 0.00004 and 0.00021; TOPMed 0.00010; ExAC 0.00017.
gnomAD v4.1: 69 of 1,613,656 alleles (0.0043%); highest among the groups gnomAD compares: Admixed American, 0.11%; no homozygotes.

Submissions (4):

PreventionGenetics, part of Exact Sciences
Classification: Uncertain significance for COL18A1-related condition. Last evaluated: 2025-08-08. Review status: criteria provided, single submitter. Criteria: ACMG Guidelines, 2015. Collection method: clinical testing. Allele origin: germline.
Comment: The COL18A1 c.761C>G variant is predicted to result in the amino acid substitution p.Ala254Gly. To our knowledge, this variant has not been reported in the literature. This variant is reported in 0.15% of alleles in individuals of Latino descent in gnomAD. Although we suspect that this variant may be benign, at this time, the clinical significance of this variant is uncertain due to the absence of conclusive functional and genetic evidence.

Labcorp Genetics (formerly Invitae), Labcorp
Classification: Uncertain significance. Last evaluated: 2022-10-28. Review status: criteria provided, single submitter. Criteria: Invitae Variant Classification Sherloc (09022015). Collection method: clinical testing. Allele origin: germline.
Comment: This sequence change replaces alanine, which is neutral and non-polar, with glycine, which is neutral and non-polar, at codon 74 of the COL18A1 protein (p.Ala74Gly). This variant is present in population databases (rs761177952, gnomAD 0.1%). This variant has not been reported in the literature in individuals affected with COL18A1-related conditions. ClinVar contains an entry for this variant (Variation ID: 1487572). Experimental studies and prediction algorithms are not available or were not evaluated, and the functional significance of this variant is currently unknown. In summary, the available evidence is currently insufficient to determine the role of this variant in disease. Therefore, it has been classified as a Variant of Uncertain Significance.

GeneDx
Classification: Uncertain significance. Last evaluated: 2022-08-12. Review status: criteria provided, single submitter. Criteria: GeneDx Variant Classification Process June 2021. Collection method: clinical testing. Allele origin: germline. Affected: yes.
Comment: In silico analysis supports that this missense variant does not alter protein structure/function; Has not been previously published as pathogenic or benign to our knowledge

Blueprint Genetics
Classification: Benign. Last evaluated: 2022-05-06. Review status: criteria provided, single submitter. Criteria: ACMG Guidelines, 2015. Collection method: clinical testing. Allele origin: germline.